The following is an entry in ClinVar:

ClinVar aggregate classification (germline): Uncertain significance (1 of 4 stars; one submission).

Conditions:
Hereditary pancreatitis (PCTT). Also called: Hereditary chronic pancreatitis; PRSS1-Related Hereditary Pancreatitis. Identifiers: Orphanet 676, MedGen C0238339, MONDO:0008185, OMIM 167800.

Allele frequency attached by ClinVar (database versions not stated): gnomAD exomes below 0.00001.
gnomAD v4.1: 3 of 1,614,164 alleles (0.00019%); highest among the groups gnomAD compares: Non-Finnish European, 0.00025%; no homozygotes.

Submission:

Ambry Genetics
Classification: Uncertain significance for Hereditary pancreatitis. Last evaluated: 2021-08-13. Review status: criteria provided, single submitter. Criteria: Ambry Variant Classification Scheme 2023. Collection method: clinical testing. Allele origin: germline.
Comment: The p.D98E variant (also known as c.294C>G), located in coding exon 3 of the CPA1 gene, results from a C to G substitution at nucleotide position 294. The aspartic acid at codon 98 is replaced by glutamic acid, an amino acid with highly similar properties. This amino acid position is conserved. In addition, this alteration is predicted to be tolerated by in silico analysis. Since supporting evidence is limited at this time, the clinical significance of this alteration remains unclear.

NM_001868.4(CPA1):c.294C>G (p.Asp98Glu)

Gene: CPA1 (carboxypeptidase A1; plus strand). Cytogenetic location: 7q32.2.
Variant type: single nucleotide variant.
Coding change: c.294C>G on transcript NM_001868.4 (MANE Select); coding-DNA position 294, C replaced by G.
Protein change: p.Asp98Glu; replaces aspartic acid 98 with glutamic acid.
Molecular consequence: missense variant.
Genome position (GRCh38, 1-based): chr7:130,381,776, C>G. VCF-style: chr7-130381776-C-G. GRCh37 (hg19) VCF-style: chr7-130021617-C-G.
Other names: short protein forms D98E.
Identifiers: ClinVar variation 1798015 (VCV001798015.2), dbSNP rs1052791391, ClinGen allele CA166885435.
Genomic context (GRCh38, chr7:130,381,776, plus strand): 5'-TCTGGAGTCCCACGGCATCAGCTATGAGACCATGATCGAGGACGTGCAGTCGCTGCTGGA[C>G]GAGGAGCAGGAGCAGATGTTCGCCTTCCGGTCCCGGGCGCGCTCCACCGACACTTTTAAC-3'
Protein context (NP_001859.1, residues 88-108): TMIEDVQSLL[Asp98Glu]EEQEQMFAFR